The following is an entry in ClinVar:

ClinVar aggregate classification (germline): Uncertain significance. Review status: criteria provided, multiple submitters, no conflicts (2 of 4 stars). 2 submissions from 2 submitters: Uncertain significance (2). Last evaluated 2024-10-01.

Conditions:
Spermatogenic failure 18. Identifiers: MedGen C4539783, MONDO:0054615, OMIM 617576.
Ciliary dyskinesia, primary, 37 (CILD37). Also called: CILIARY DYSKINESIA, PRIMARY, 37, WITH OR WITHOUT SITUS INVERSUS. Identifiers: MedGen C4539798, MONDO:0033204, OMIM 617577.

Allele frequency attached by ClinVar (database versions not stated): TOPMed below 0.00001; gnomAD 0.00001; gnomAD exomes 0.00001 and 0.00003; ExAC 0.00003.
gnomAD v4.1: 12 of 1,584,818 alleles (0.00076%); highest among the groups gnomAD compares: African/African-American, 0.0027%; no homozygotes.

Submissions (2):

Labcorp Genetics (formerly Invitae), Labcorp
Classification: Uncertain significance for Ciliary dyskinesia, primary, 37; Spermatogenic failure 18. Last evaluated: 2024-10-01. Review status: criteria provided, single submitter. Criteria: Invitae Variant Classification Sherloc (09022015). Collection method: clinical testing. Allele origin: germline.
Comment: This sequence change replaces arginine, which is basic and polar, with tryptophan, which is neutral and slightly polar, at codon 125 of the DNAH1 protein (p.Arg125Trp). The frequency data for this variant in the population databases is considered unreliable, as metrics indicate poor data quality at this position in the gnomAD database. This variant has not been reported in the literature in individuals affected with DNAH1-related conditions. ClinVar contains an entry for this variant (Variation ID: 1374048). An algorithm developed to predict the effect of missense changes on protein structure and function outputs the following: PolyPhen-2: "Benign". The tryptophan amino acid residue is found in multiple mammalian species, which suggests that this missense change does not adversely affect protein function. In summary, the available evidence is currently insufficient to determine the role of this variant in disease. Therefore, it has been classified as a Variant of Uncertain Significance.

Ambry Genetics
Classification: Uncertain significance. Last evaluated: 2024-03-15. Review status: criteria provided, single submitter. Criteria: Ambry Variant Classification Scheme 2023. Collection method: clinical testing. Allele origin: germline.

NM_015512.5(DNAH1):c.373C>T (p.Arg125Trp)

Gene: DNAH1 (dynein axonemal heavy chain 1; plus strand). Cytogenetic location: 3p21.1.
Variant type: single nucleotide variant.
Coding change: c.373C>T on transcript NM_015512.5 (MANE Select); coding-DNA position 373, C replaced by T.
Protein change: p.Arg125Trp; replaces arginine 125 with tryptophan.
Molecular consequence: missense variant.
Genome position (GRCh38, 1-based): chr3:52,323,847, C>T. VCF-style: chr3-52323847-C-T. GRCh37 (hg19) VCF-style: chr3-52357863-C-T.
Other names: c.373C>T (NM_015512.4); short protein forms R125W.
Identifiers: ClinVar variation 1374048 (VCV001374048.8), dbSNP rs745363325, ClinGen allele CA2432616.